The following is an entry in ClinVar:

NM_001130987.2(DYSF):c.2566-1495_3202del

Gene: DYSF (dysferlin; plus strand). Cytogenetic location: 2p13.2.
Variant type: Deletion.
Coding change: c.2566-1495_3202del on transcript NM_001130987.2 (MANE Select); 1495 bases into the intron before coding-DNA position 2566 through coding-DNA position 3202, 4,260 bases deleted.
Molecular consequence: splice acceptor variant, splice donor variant.
Genome position (GRCh38, 1-based): chr2:71,566,456-71,570,715, 4,260 bases deleted. GRCh37 (hg19): chr2:71,793,586-71,797,845.
Other names: c.2563-1495_3199del (NM_001130981.2, NM_001130980.2); c.2512-1495_3148del (NM_001130978.2, NM_003494.4); c.2470-1495_3106del (NM_001130977.2, NM_001130976.2); c.2608-1495_3244del (NM_001130982.2); c.2566-1495_3202del (NM_001130985.2); c.2515-1495_3151del (NM_001130983.2, NM_001130455.2); c.2473-1495_3109del (NM_001130984.2, NM_001130986.2); c.2605-1495_3241del (NM_001130979.2).
Identifiers: ClinVar variation 573415 (VCV000573415.2), ClinGen allele CA891842855.

ClinVar aggregate classification (germline): Pathogenic (1 of 4 stars; one submission).

Conditions:
Neuromuscular disease caused by qualitative or quantitative defects of dysferlin. Also called: Qualitative or quantitative defects of dysferlin; Dysferlinopathy. Identifiers: Orphanet 207073, MedGen C2931687, MONDO:0016145.

Submission:

Labcorp Genetics (formerly Invitae), Labcorp
Classification: Pathogenic for Dysferlinopathy. Last evaluated: 2019-02-11. Review status: criteria provided, single submitter. Criteria: Invitae Variant Classification Sherloc (09022015). Collection method: clinical testing. Allele origin: germline.
Comment: This variant is a deletion of the genomic region encompassing exons 25-28 and part of exon 29 (c.2512-1495_3148del) of the DYSF gene. It is expected to disrupt RNA splicing and likely results in an absent or disrupted protein product. This variant has not been reported in the literature in individuals with DYSF-related conditions. This variant disrupts the p.Arg959 amino acid residue in DYSF. Other variant(s) that disrupt this residue have been observed in affected individuals (PMID: 14678801, 22194990, 19528035, 16934466, 17070050), suggesting that it is a clinically significant residue. As a result, variants that disrupt this residue are likely to be causative of disease. Loss-of-function variants in DYSF are known to be pathogenic (PMID: 17698709, 20301480). For these reasons, this variant has been classified as Pathogenic.

Literature cited by the submitters: PubMed 17070050; PubMed 22194990; PubMed 19528035; PubMed 16934466; PubMed 14678801.